The following is an entry in ClinVar:

NM_001004320.2(AGMO):c.653C>T (p.Pro218Leu)

Gene: AGMO (alkylglycerol monooxygenase; minus strand). Cytogenetic location: 7p21.2.
Variant type: single nucleotide variant.
Coding change: c.653C>T on transcript NM_001004320.2 (MANE Select); coding-DNA position 653, C replaced by T.
Protein change: p.Pro218Leu; replaces proline 218 with leucine.
Molecular consequence: missense variant.
Genome position (GRCh38, 1-based): chr7:15,394,136, G>A on the plus strand (C>T on the coding strand, the complement: AGMO is on the minus strand). VCF-style: chr7-15394136-G-A. GRCh37 (hg19) VCF-style: chr7-15433761-G-A.
Other names: short protein forms P218L.
Identifiers: ClinVar variation 434104 (VCV000434104.11), dbSNP rs150962030, ClinGen allele CA4168693.
Genomic context (GRCh38, chr7:15,394,136, plus strand): 5'-AAATGAAGAAAAGAGAGAAGAAACAAAACTTCCTTACCATGATGAACCCTATGATGGCTA[G>A]GAGTATTAAGAATCAGTTCCAAAGGACCAAGGTTATTGATGACCTGTTTAAAACAGAAGG-3'
Protein context (NP_001004320.1, residues 208-228): LGPLELILNT[Pro218Leu]SHHRVHHGRN

ClinVar aggregate classification (germline): Uncertain significance. Review status: criteria provided, multiple submitters, no conflicts (2 of 4 stars). 4 submissions from 4 submitters: Uncertain significance (4). Last evaluated 2026-09-03.

Allele frequency attached by ClinVar (database versions not stated): gnomAD exomes 0.00010 and 0.00024; ExAC 0.00033; ESP Exome Variant Server 0.00085; TOPMed 0.00108; 1000 Genomes Project 0.00120; gnomAD 0.00125 and 0.00131; 1000 Genomes Project 30x 0.00141.
gnomAD v4.1: 338 of 1,612,192 alleles (0.021%); highest among the groups gnomAD compares: African/African-American, 0.37%; no homozygotes.

Submissions (4):

GeneDx
Classification: Uncertain significance. Last evaluated: 2026-09-03. Review status: criteria provided, single submitter. Criteria: GeneDx Variant Classification Process June 2021. Collection method: clinical testing. Allele origin: germline.
Comment: In silico analysis supports that this missense variant has a deleterious effect on protein structure/function; Has not been previously published as pathogenic or benign to our knowledge

New York Genome Center
Classification: Uncertain significance. Last evaluated: 2020-06-01. Review status: criteria provided, single submitter. Criteria: NYGC Assertion Criteria 2020. Collection method: clinical testing. Allele origin: inherited. Observed: 1 heterozygote. Study: CSER-NYCKidSeq.

Genetic Services Laboratory, University of Chicago
Classification: Uncertain significance. Last evaluated: 2017-05-24. Review status: criteria provided, single submitter. Criteria: ACMG Guidelines, 2015. Collection method: clinical testing. Allele origin: germline. Affected: no.

Breakthrough Genomics
Classification: Uncertain significance. Review status: criteria provided, single submitter. Criteria: ACMG Guidelines, 2015. Collection method: not provided. Allele origin: germline. Inheritance: Unknown mechanism. Affected: yes.